The following is an entry in ClinVar:

ClinVar aggregate classification (germline): Pathogenic (1 of 4 stars; one submission).

Conditions:
Hereditary cancer-predisposing syndrome. Also called: Hereditary Cancer Syndrome; Neoplastic Syndromes, Hereditary; Tumor predisposition; Hereditary neoplastic syndrome. Identifiers: Orphanet 140162, MedGen C0027672, MeSH D009386, MONDO:0015356.

Submission:

Ambry Genetics
Classification: Pathogenic for Hereditary cancer-predisposing syndrome. Last evaluated: 2026-07-16. Review status: criteria provided, single submitter. Criteria: Ambry Variant Classification Scheme 2023. Collection method: clinical testing. Allele origin: germline.
Comment: The c.1230delT pathogenic mutation, located in coding exon 8 of the CTNNA1 gene, results from a deletion of one nucleotide at nucleotide position 1230, causing a translational frameshift with a predicted alternate stop codon (p.N410Kfs*21). This variant is considered to be rare based on population cohorts in the Genome Aggregation Database (gnomAD). This alteration is expected to result in loss of function by premature protein truncation or nonsense-mediated mRNA decay. As such, this alteration is interpreted as a disease-causing mutation.

NM_001903.5(CTNNA1):c.1230del (p.Asn410fs)

Gene: CTNNA1 (catenin alpha 1; plus strand). Cytogenetic location: 5q31.2.
Variant type: Deletion.
Coding change: c.1230del on transcript NM_001903.5 (MANE Select); coding-DNA position 1230, one base deleted (T; older notation c.1230delT).
Protein change: p.Asn410fs; shifts the reading frame from asparagine 410.
Molecular consequence: frameshift variant. On other transcripts: intron variant (2), 5 prime UTR variant (5).
Genome position (GRCh38, 1-based): chr5:138,887,576, T deleted. VCF-style (leftmost placement, unchanged base first): chr5-138887575-AT-A. GRCh37 (hg19) VCF-style: chr5-138223264-AT-A.
Other names: c.1230del, p.Asn410fs (NM_001290307.3, NM_001323982.2, NM_001323983.1 and 3 more transcripts); c.921del, p.Asn307fs (NM_001290309.3); c.861del, p.Asn287fs (NM_001290310.3); c.120del, p.Asn40fs (NM_001290312.1, NM_001323987.1, NM_001323988.1 and 18 more transcripts); c.-61+11979del (NM_001324010.1); c.-278del (NM_001324006.1, NM_001324007.1, NM_001324008.1 and 1 more transcripts); c.-153del (NM_001324013.1); c.-58+11979del (NM_001324012.1); short protein forms N307fs, N40fs, N287fs, N410fs.
Identifiers: ClinVar variation 5034988 (VCV005034988.1).
Genomic context (GRCh38, chr5:138,887,575, plus strand): 5'-TTTCAGATTCTTTCCTGGAAACCAATGTTCCACTTTTGGTATTGATTGAAGCTGCAAAGA[AT>A]GGAAATGAGAAAGAAGTTAAGGAGTATGCCCAAGTTTTCCGTGAACATGCCAACAAATTG-3'